The following is an entry in ClinVar:

NM_030653.4(DDX11):c.137C>G (p.Thr46Ser)

Gene: DDX11 (DEAD/H-box helicase 11; plus strand). Cytogenetic location: 12p11.21.
Variant type: single nucleotide variant.
Coding change: c.137C>G on transcript NM_030653.4 (MANE Select); coding-DNA position 137, C replaced by G.
Protein change: p.Thr46Ser; replaces threonine 46 with serine.
Molecular consequence: missense variant. On other transcripts: 5 prime UTR variant (4), non-coding transcript variant (4), intron variant (1).
Genome position (GRCh38, 1-based): chr12:31,078,530, C>G. VCF-style: chr12-31078530-C-G. GRCh37 (hg19) VCF-style: chr12-31231464-C-G.
Other names: c.137C>G, p.Thr46Ser (NM_001257144.2, NM_001413692.1, NM_001413693.1 and 6 more transcripts); c.59C>G, p.Thr20Ser (NM_001257145.2, NM_001413697.1, NM_001413698.1 and 1 more transcripts); c.-238C>G (NM_001413702.1); c.-924C>G (NM_001413704.1, NM_001413705.1); c.-742C>G (NM_001413706.1); c.-385+4203C>G (NM_001413703.1); short protein forms T46S, T20S.
Identifiers: ClinVar variation 2617786 (VCV002617786.3), dbSNP rs1365174650, ClinGen allele CA384248834.

ClinVar aggregate classification (germline): Uncertain significance. Review status: criteria provided, multiple submitters, no conflicts (2 of 4 stars). 2 submissions from 2 submitters: Uncertain significance (2). Last evaluated 2024-09-09.

Conditions:
Inborn genetic diseases. Identifiers: MedGen C0950123, MeSH D030342.

Allele frequency attached by ClinVar (database versions not stated): gnomAD exomes below 0.00001; gnomAD 0.00001; TOPMed 0.00001.
gnomAD v4.1: 8 of 1,611,740 alleles (0.0005%); highest among the groups gnomAD compares: Non-Finnish European, 0.00068%; no homozygotes.

Submissions (2):

GeneDx
Classification: Uncertain significance. Last evaluated: 2024-09-09. Review status: criteria provided, single submitter. Criteria: GeneDx Variant Classification Process June 2021. Collection method: clinical testing. Allele origin: germline. Affected: yes.
Comment: Not observed at significant frequency in large population cohorts (gnomAD); In silico analysis supports that this missense variant has a deleterious effect on protein structure/function; Has not been previously published as pathogenic or benign to our knowledge

Ambry Genetics
Classification: Uncertain significance for Inborn genetic diseases. Last evaluated: 2023-08-10. Review status: criteria provided, single submitter. Criteria: Ambry Variant Classification Scheme 2023. Collection method: clinical testing. Allele origin: germline.